The following is an entry in ClinVar:

ClinVar aggregate classification (germline): Uncertain significance (1 of 4 stars; one submission).

Conditions:
Spastic paraplegia. Identifiers: MedGen C0037772, HP:0001258.

Allele frequency attached by ClinVar (database versions not stated): TOPMed below 0.00001.

Submission:

Labcorp Genetics (formerly Invitae), Labcorp
Classification: Uncertain significance for Spastic paraplegia. Last evaluated: 2022-12-31. Review status: criteria provided, single submitter. Criteria: Invitae Variant Classification Sherloc (09022015). Collection method: clinical testing. Allele origin: germline.
Comment: This variant is not present in population databases (gnomAD no frequency). This variant has not been reported in the literature in individuals affected with ZFYVE26-related conditions. This sequence change replaces isoleucine, which is neutral and non-polar, with valine, which is neutral and non-polar, at codon 115 of the ZFYVE26 protein (p.Ile115Val). Algorithms developed to predict the effect of missense changes on protein structure and function output the following: SIFT: "Tolerated"; PolyPhen-2: "Benign"; Align-GVGD: "Class C0". The valine amino acid residue is found in multiple mammalian species, which suggests that this missense change does not adversely affect protein function. In summary, the available evidence is currently insufficient to determine the role of this variant in disease. Therefore, it has been classified as a Variant of Uncertain Significance.

NM_015346.4(ZFYVE26):c.343A>G (p.Ile115Val)

Gene: ZFYVE26 (zinc finger FYVE-type containing 26; minus strand). Cytogenetic location: 14q24.1.
Variant type: single nucleotide variant.
Coding change: c.343A>G on transcript NM_015346.4 (MANE Select); coding-DNA position 343, A replaced by G.
Protein change: p.Ile115Val; replaces isoleucine 115 with valine.
Molecular consequence: missense variant.
Genome position (GRCh38, 1-based): chr14:67,809,220, T>C on the plus strand (A>G on the coding strand, the complement: ZFYVE26 is on the minus strand). VCF-style: chr14-67809220-T-C. GRCh37 (hg19) VCF-style: chr14-68275937-T-C.
Other names: short protein forms I115V.
Identifiers: ClinVar variation 2738491 (VCV002738491.3), dbSNP rs2040243161, ClinGen allele CA390162432.
Genomic context (GRCh38, chr14:67,809,220, plus strand): 5'-CTGTCAACCCTGGGCAGATGGTACCAGGGCTCTCTCTCACCTCGAGGATGTTCTCTGGAA[T>C]GTCACCTTGGAGGTCTTCTGACAATAAAAGAAACTCAAGCTTTCTCCGGAAAACAACTGG-3'
Protein context (NP_056161.2, residues 105-125): LLLSEDLQGD[Ile115Val]PENILEELYE